The following is an entry in ClinVar:

ClinVar aggregate classification (germline): Benign/Likely benign. Review status: criteria provided, multiple submitters, no conflicts (2 of 4 stars). 3 submissions from 3 submitters: Benign (1); Likely benign (2). Last evaluated 2025-03-18.

Conditions:
Hereditary cancer-predisposing syndrome. Also called: Neoplastic Syndromes, Hereditary; Tumor predisposition; Hereditary Cancer Syndrome; Hereditary neoplastic syndrome. Identifiers: Orphanet 140162, MedGen C0027672, MeSH D009386, MONDO:0015356.
Pheochromocytoma. Also called: MAX-Related Hereditary Paraganglioma-Pheochromocytoma Syndrome. Identifiers: Orphanet 29072, MedGen C0031511, MONDO:0008233, OMIM 171300, HP:0002666.
Cowden syndrome 3 (CWS3). Identifiers: Orphanet 201, MedGen CN166604, MONDO:0014045.
Carney-Stratakis syndrome. Also called: PARAGANGLIOMA AND GASTROINTESTINAL STROMAL TUMOR. Identifiers: Orphanet 97286, MedGen C1847319, MONDO:0011740, OMIM 606864.
Paragangliomas with sensorineural hearing loss. Identifiers: MedGen C1868633.
Pheochromocytoma/paraganglioma syndrome 1. Also called: PARAGANGLIOMAS, FAMILIAL NONCHROMAFFIN, 1; PGL 1; Paragangliomas familial 1; PARAGANGLIOMATA; Paragangliomas 1; Glomus tumors familial 1. Identifiers: Orphanet 29072, MedGen C3494181, MONDO:0008192, OMIM 168000.

Submissions (3):

Myriad Genetics, Inc.
Classification: Benign for Pheochromocytoma/paraganglioma syndrome 1. Last evaluated: 2025-03-18. Review status: criteria provided, single submitter. Criteria: Myriad Autosomal Dominant, Autosomal Recessive and X-Linked Classification Criteria (2023). Collection method: clinical testing. Allele origin: unknown.
Comment: This variant is considered benign. This variant is a silent/synonymous amino acid change and it is not expected to impact splicing.

Labcorp Genetics (formerly Invitae), Labcorp
Classification: Likely benign for Carney-Stratakis syndrome; Paragangliomas with sensorineural hearing loss; Pheochromocytoma; Cowden syndrome 3. Last evaluated: 2024-03-20. Review status: criteria provided, single submitter. Criteria: Invitae Variant Classification Sherloc (09022015). Collection method: clinical testing. Allele origin: germline.

Ambry Genetics
Classification: Likely benign for Hereditary cancer-predisposing syndrome. Last evaluated: 2020-03-16. Review status: criteria provided, single submitter. Criteria: Ambry Variant Classification Scheme 2023. Collection method: clinical testing. Allele origin: germline.

NM_003002.4(SDHD):c.351G>A (p.Gly117=)

Gene: SDHD (succinate dehydrogenase complex subunit D; plus strand). Cytogenetic location: 11q23.1.
Variant type: single nucleotide variant.
Coding change: c.351G>A on transcript NM_003002.4 (MANE Select); coding-DNA position 351, G replaced by A.
Protein change: p.Gly117=; no amino-acid change (glycine 117 retained).
Molecular consequence: synonymous variant. On other transcripts: missense variant (1), 3 prime UTR variant (1), non-coding transcript variant (1).
Genome position (GRCh38, 1-based): chr11:112,094,841, G>A. VCF-style: chr11-112094841-G-A. GRCh37 (hg19) VCF-style: chr11-111965565-G-A.
Other names: c.206G>A, p.Gly69Glu (NM_001276503.2); c.234G>A, p.Gly78= (NM_001276504.2); c.*49G>A (NM_001276506.2); short protein forms G69E.
Identifiers: ClinVar variation 1732253 (VCV001732253.5), dbSNP rs1566702512, ClinGen allele CA382618909.